The following is an entry in ClinVar:

ClinVar aggregate classification (germline): Benign. Review status: criteria provided, multiple submitters, no conflicts (2 of 4 stars). 3 submissions from 3 submitters: Benign (2). 1 of the submissions does not count toward it. Last evaluated 2012-03-19.

Conditions:
NEBL-related disorder. Also called: NEBL-related condition.

Allele frequency attached by ClinVar (database versions not stated): 1000 Genomes Project 30x 0.01593; gnomAD 0.00974; ESP Exome Variant Server 0.01108; TOPMed 0.01119; 1000 Genomes Project 0.01637.
gnomAD v4.1: 10,418 of 1,610,848 alleles (0.65%); highest among the groups gnomAD compares: African/African-American, 2.7%; 103 homozygotes.

Submissions (3):

Laboratory for Molecular Medicine, Mass General Brigham Personalized Medicine
Classification: Benign. Last evaluated: 2012-03-19. Review status: criteria provided, single submitter. Criteria: LMM Criteria. Collection method: clinical testing. Allele origin: germline. Observed: 26 variant alleles.
Comment: c.-7C>T in Exon 01 of NEBL: This variant is not expected to have clinical signif icance because it has been identified in 2.1% (79/3736) of African American chro mosomes from a broad population by the NHLBI Exome Sequencing Project (s.; dbSNP rs141707642).

Breakthrough Genomics
Classification: Benign. Review status: criteria provided, single submitter. Criteria: ACMG Guidelines, 2015. Collection method: not provided. Allele origin: germline. Inheritance: Unknown mechanism. Affected: yes.

PreventionGenetics, part of Exact Sciences
Classification: Benign for NEBL-related condition. Last evaluated: 2019-02-22. Review status: no assertion criteria provided. Collection method: clinical testing. Allele origin: germline. Not counted in ClinVar's aggregate classification.
Comment: This variant is classified as benign based on ACMG/AMP sequence variant interpretation guidelines (Richards et al. 2015 PMID: 25741868, with internal and published modifications).

NM_213569.2(NEBL):c.-7C>T

Gene: NEBL (nebulette; minus strand). Cytogenetic location: 10p12.31.
Variant type: single nucleotide variant.
Coding change: c.-7C>T on transcript NM_213569.2; 7 bases upstream of the start codon, C replaced by T.
Molecular consequence: 5 prime UTR variant. On other transcripts: intron variant (3).
Genome position (GRCh38, 1-based): chr10:21,173,840, G>A on the plus strand (C>T on the coding strand, the complement: NEBL is on the minus strand). VCF-style: chr10-21173840-G-A. GRCh37 (hg19) VCF-style: chr10-21462769-G-A.
Other names: c.-39-1363C>T (NM_001377326.1, NM_001377327.1); c.-40+1000C>T (NM_001377328.1); c.-165C>T (NM_001377324.1); c.-7C>T (NM_001173484.2, NM_001377322.1).
Identifiers: ClinVar variation 48638 (VCV000048638.9), dbSNP rs141707642, ClinGen allele CA143679.